The following is an entry in ClinVar:

ClinVar aggregate classification (germline): Uncertain significance (0 of 4 stars; one submission).

Conditions:
PCNT-related disorder. Also called: PCNT-related condition.

gnomAD v4.1: 1 of 1,601,346 alleles (0.000062%); highest among the groups gnomAD compares: Admixed American, 0.0017%; no homozygotes.

Submission:

PreventionGenetics, part of Exact Sciences
Classification: Uncertain significance for PCNT-related condition. Last evaluated: 2024-03-06. Review status: no assertion criteria provided. Collection method: clinical testing. Allele origin: germline.
Comment: The PCNT c.6830T>G variant is predicted to result in the amino acid substitution p.Leu2277Arg. To our knowledge, this variant has not been reported in the literature. This variant is reported in 0.0030% of alleles in individuals of Latino descent in gnomAD. At this time, the clinical significance of this variant is uncertain due to the absence of conclusive functional and genetic evidence.

NM_006031.6(PCNT):c.6830T>G (p.Leu2277Arg)

Gene: PCNT (pericentrin; plus strand). Cytogenetic location: 21q22.3.
Variant type: single nucleotide variant.
Coding change: c.6830T>G on transcript NM_006031.6 (MANE Select); coding-DNA position 6830, T replaced by G.
Protein change: p.Leu2277Arg; replaces leucine 2277 with arginine.
Molecular consequence: missense variant.
Genome position (GRCh38, 1-based): chr21:46,416,748, T>G. VCF-style: chr21-46416748-T-G. GRCh37 (hg19) VCF-style: chr21-47836662-T-G.
Other names: c.6476T>G, p.Leu2159Arg (NM_001315529.2); short protein forms L2159R, L2277R.
Identifiers: ClinVar variation 3349202 (VCV003349202.1).
Genomic context (GRCh38, chr21:46,416,748, plus strand): 5'-ACACATCCCTGGGGGACAGGGCGGACACCTCGCTGCCACAGACCCAGGGGCCGGGGCTGC[T>G]TTGTTCCCCAGGCGTGTCTGCAGCAGCGCTGGCACTGCAGTGGGCCGAGTCTCCGCCGGC-3'
Protein context (NP_006022.3, residues 2267-2287): SLPQTQGPGL[Leu2277Arg]CSPGVSAAAL